The following is an entry in ClinVar:

NM_004448.4(ERBB2):c.193C>A (p.Leu65Met)

Gene: ERBB2 (erb-b2 receptor tyrosine kinase 2; plus strand). Cytogenetic location: 17q12.
Variant type: single nucleotide variant.
Coding change: c.193C>A on transcript NM_004448.4 (MANE Select); coding-DNA position 193, C replaced by A.
Protein change: p.Leu65Met; replaces leucine 65 with methionine.
Molecular consequence: missense variant. On other transcripts: non-coding transcript variant (1), intron variant (1).
Genome position (GRCh38, 1-based): chr17:39,707,109, C>A. VCF-style: chr17-39707109-C-A. GRCh37 (hg19) VCF-style: chr17-37863362-C-A.
Other names: c.103C>A, p.Leu35Met (NM_001005862.3, NM_001289938.2, NM_001382782.1 and 1 more transcripts); c.148C>A, p.Leu50Met (NM_001289936.2); c.193C>A, p.Leu65Met (NM_001289937.2, NM_001382784.1, NM_001382785.1 and 20 more transcripts); c.74-4819C>A (NM_001382804.1); short protein forms L50M, L35M, L65M.
Identifiers: ClinVar variation 2890895 (VCV002890895.3), dbSNP rs2145409782, ClinGen allele CA399270990.

ClinVar aggregate classification (germline): Uncertain significance (1 of 4 stars; one submission).

Submission:

Labcorp Genetics (formerly Invitae), Labcorp
Classification: Uncertain significance. Last evaluated: 2023-10-27. Review status: criteria provided, single submitter. Criteria: Invitae Variant Classification Sherloc (09022015). Collection method: clinical testing. Allele origin: germline.
Comment: This sequence change replaces leucine, which is neutral and non-polar, with methionine, which is neutral and non-polar, at codon 65 of the ERBB2 protein (p.Leu65Met). This variant is not present in population databases (gnomAD no frequency). This variant has not been reported in the literature in individuals affected with ERBB2-related conditions. Advanced modeling of protein sequence and biophysical properties (such as structural, functional, and spatial information, amino acid conservation, physicochemical variation, residue mobility, and thermodynamic stability) performed at Invitae indicates that this missense variant is not expected to disrupt ERBB2 protein function with a negative predictive value of 80%. In summary, the available evidence is currently insufficient to determine the role of this variant in disease. Therefore, it has been classified as a Variant of Uncertain Significance.